The following is an entry in ClinVar:

NM_022124.6(CDH23):c.6689C>G (p.Ala2230Gly)

Gene: CDH23 (cadherin related 23; plus strand). Cytogenetic location: 10q22.1.
Variant type: single nucleotide variant.
Coding change: c.6689C>G on transcript NM_022124.6 (MANE Select); coding-DNA position 6689, C replaced by G.
Protein change: p.Ala2230Gly; replaces alanine 2230 with glycine.
Molecular consequence: missense variant.
Genome position (GRCh38, 1-based): chr10:71,793,617, C>G. VCF-style: chr10-71793617-C-G. GRCh37 (hg19) VCF-style: chr10-73553374-C-G.
Other names: short protein forms A2230G.
Identifiers: ClinVar variation 938105 (VCV000938105.5), dbSNP rs779637927, ClinGen allele CA5546150.

ClinVar aggregate classification (germline): Uncertain significance. Review status: criteria provided, single submitter (1 of 4 stars). 2 submissions from 2 submitters: Uncertain significance (1). 1 of the submissions does not count toward it. Last evaluated 2024-11-04.

Conditions:
Usher syndrome type 1 (USH1). Also called: RETINITIS PIGMENTOSA AND CONGENITAL DEAFNESS. Identifiers: Orphanet 231169, Orphanet 886, MedGen C1568247, MONDO:0010168, OMIM 276900.

Allele frequency attached by ClinVar (database versions not stated): gnomAD 0.00001; TOPMed 0.00002.
gnomAD v4.1: 30 of 1,597,014 alleles (0.0019%); highest among the groups gnomAD compares: Admixed American, 0.0084%; no homozygotes.

Submissions (2):

Labcorp Genetics (formerly Invitae), Labcorp
Classification: Uncertain significance. Last evaluated: 2024-11-04. Review status: criteria provided, single submitter. Criteria: Invitae Variant Classification Sherloc (09022015). Collection method: clinical testing. Allele origin: germline.
Comment: This sequence change replaces alanine, which is neutral and non-polar, with glycine, which is neutral and non-polar, at codon 2230 of the CDH23 protein (p.Ala2230Gly). This variant is present in population databases (rs779637927, gnomAD 0.009%). This variant has not been reported in the literature in individuals affected with CDH23-related conditions. ClinVar contains an entry for this variant (Variation ID: 938105). Invitae Evidence Modeling of protein sequence and biophysical properties (such as structural, functional, and spatial information, amino acid conservation, physicochemical variation, residue mobility, and thermodynamic stability) has been performed for this missense variant. However, the output from this modeling did not meet the statistical confidence thresholds required to predict the impact of this variant on CDH23 protein function. In summary, the available evidence is currently insufficient to determine the role of this variant in disease. Therefore, it has been classified as a Variant of Uncertain Significance.

Natera, Inc.
Classification: Uncertain significance for Usher syndrome type 1. Last evaluated: 2020-09-03. Review status: no assertion criteria provided. Collection method: clinical testing. Allele origin: germline. Not counted in ClinVar's aggregate classification.